The following is an entry in ClinVar:

ClinVar aggregate classification (germline): Uncertain significance. Review status: criteria provided, multiple submitters, no conflicts (2 of 4 stars). 2 submissions from 2 submitters: Uncertain significance (2). Last evaluated 2024-11-07.

Conditions:
Epidermolysis bullosa simplex 3, localized or generalized intermediate, with BP230 deficiency (EBS3). Also called: Epidermolysis bullosa simplex due to BP230 deficiency; Epidermolysis bullosa simplex, autosomal recessive 2. Identifiers: Orphanet 412181, MedGen C3809470, MONDO:0014180, OMIM 615425.
Hereditary sensory and autonomic neuropathy type 6. Also called: Neuropathy, hereditary sensory and autonomic, type VI; HSAN VI. Identifiers: Orphanet 314381, MedGen C3539003, MONDO:0013839, OMIM 614653.
Inborn genetic diseases. Identifiers: MedGen C0950123, MeSH D030342.

Allele frequency attached by ClinVar (database versions not stated): gnomAD exomes 0.00003 and 0.00006; ExAC 0.00009; ESP Exome Variant Server 0.00017; 1000 Genomes Project 0.00020; gnomAD 0.00027 and 0.00029; 1000 Genomes Project 30x 0.00031; TOPMed 0.00033.
gnomAD v4.1: 79 of 1,613,918 alleles (0.0049%); highest among the groups gnomAD compares: African/African-American, 0.1%; no homozygotes.

Submissions (2):

Labcorp Genetics (formerly Invitae), Labcorp
Classification: Uncertain significance for Epidermolysis bullosa simplex 3, localized or generalized intermediate, with BP230 deficiency; Hereditary sensory and autonomic neuropathy type 6. Last evaluated: 2024-11-07. Review status: criteria provided, single submitter. Criteria: Invitae Variant Classification Sherloc (09022015). Collection method: clinical testing. Allele origin: germline.
Comment: The DST gene has multiple clinically relevant transcripts. This variant occurs in alternate transcript NM_015548.4, and corresponds to NM_001723.5:c.*54123A>G in the primary transcript. This sequence change replaces lysine, which is basic and polar, with glutamic acid, which is acidic and polar, at codon 2119 of the DST protein (p.Lys2119Glu). This variant is present in population databases (rs200029966, gnomAD 0.08%). This variant has not been reported in the literature in individuals affected with DST-related conditions. Experimental studies and prediction algorithms are not available or were not evaluated, and the functional significance of this variant is currently unknown. In summary, the available evidence is currently insufficient to determine the role of this variant in disease. Therefore, it has been classified as a Variant of Uncertain Significance.

Ambry Genetics
Classification: Uncertain significance for Inborn genetic diseases. Last evaluated: 2023-08-29. Review status: criteria provided, single submitter. Criteria: Ambry Variant Classification Scheme 2023. Collection method: clinical testing. Allele origin: germline.

NM_001374736.1(DST):c.14224A>G (p.Lys4742Glu)

Genes: DST (dystonin; minus strand), LOC129389544 (MPRA-validated peak5860 silencer; plus strand). Cytogenetic location: 6p12.1.
Variant type: single nucleotide variant.
Coding change: c.14224A>G on transcript NM_001374736.1 (MANE Select); coding-DNA position 14224, A replaced by G.
Protein change: p.Lys4742Glu; replaces lysine 4742 with glutamic acid.
Molecular consequence: missense variant.
Genome position (GRCh38, 1-based): chr6:56,561,394, T>C on the plus strand (A>G on the coding strand, the complement: DST is on the minus strand). VCF-style: chr6-56561394-T-C. GRCh37 (hg19) VCF-style: chr6-56426192-T-C.
Other names: c.7867A>G, p.Lys2623Glu (NM_001144769.5); c.7453A>G, p.Lys2485Glu (NM_001144770.2); c.14224A>G, p.Lys4742Glu (NM_001374722.1); c.13591A>G, p.Lys4531Glu (NM_001374729.1); c.7333A>G, p.Lys2445Glu (NM_001374730.1, NM_001386100.1, NM_183380.4); c.14251A>G, p.Lys4751Glu (NM_001374734.1); c.6355A>G, p.Lys2119Glu (NM_015548.5); short protein forms K2119E, K2485E, K4742E, K2623E, K4531E, K4751E, K2445E.
Identifiers: ClinVar variation 1423690 (VCV001423690.7), dbSNP rs200029966, ClinGen allele CA3868072.